The following is an entry in ClinVar:

NM_000069.3(CACNA1S):c.472G>A (p.Gly158Ser)

Gene: CACNA1S (calcium voltage-gated channel subunit alpha1 S; minus strand). Cytogenetic location: 1q32.1.
Variant type: single nucleotide variant.
Coding change: c.472G>A on transcript NM_000069.3 (MANE Select); coding-DNA position 472, G replaced by A.
Protein change: p.Gly158Ser; replaces glycine 158 with serine.
Molecular consequence: missense variant.
Genome position (GRCh38, 1-based): chr1:201,092,041, C>T on the plus strand (G>A on the coding strand, the complement: CACNA1S is on the minus strand). VCF-style: chr1-201092041-C-T. GRCh37 (hg19) VCF-style: chr1-201061169-C-T.
Other names: short protein forms G158S.
Identifiers: ClinVar variation 3071881 (VCV003071881.1), dbSNP rs373218444, ClinGen allele CA083560.

ClinVar aggregate classification (germline): Uncertain significance (1 of 4 stars; one submission).

Conditions:
Malignant hyperthermia, susceptibility to, 5 (MHS5). Also called: CACNA1S-Related Malignant Hyperthermia Susceptibility. Identifiers: Orphanet 423, MedGen C1866077, MONDO:0011163, OMIM 601887.

Allele frequency attached by ClinVar (database versions not stated): TOPMed 0.00002; ESP Exome Variant Server 0.00008; gnomAD exomes below 0.00001; ExAC 0.00001; gnomAD 0.00001.
gnomAD v4.1: 6 of 1,613,954 alleles (0.00037%); highest among the groups gnomAD compares: East Asian, 0.0067%; no homozygotes.

Submission:

All of Us Research Program, National Institutes of Health
Classification: Uncertain significance for Malignant hyperthermia, susceptibility to, 5. Last evaluated: 2023-09-17. Review status: criteria provided, single submitter. Criteria: ACMG Guidelines, 2015. Collection method: clinical testing. Allele origin: germline. Inheritance: Autosomal dominant inheritance. Observed: 2 variant alleles, 2 heterozygotes.
Comment: This missense variant replaces glycine with serine at codon 158 of the CACNA1S protein. Computational prediction suggests that this variant may have deleterious impact on protein structure and function (internally defined REVEL score threshold >= 0.7, PMID: 27666373). To our knowledge, functional studies have not been reported for this variant. This variant has not been reported in individuals affected with CACNA1S-related disorders in the literature. This variant has been identified in 3/282846 chromosomes in the general population by the Genome Aggregation Database (gnomAD). The available evidence is insufficient to determine the role of this variant in disease conclusively. Therefore, this variant is classified as a Variant of Uncertain Significance.

This study involves interpretation of variants in research participants for the purpose of population health screening. Participant phenotype was not available at the time of variant classification. Additional details can be found in publication PMID: 35346344, PMCID: PMC8962531